The following is an entry in ClinVar:

NM_020911.2(PLXNA4):c.5113C>T (p.Arg1705Cys)

Gene: PLXNA4 (plexin A4; minus strand). Cytogenetic location: 7q32.3.
Variant type: single nucleotide variant.
Coding change: c.5113C>T on transcript NM_020911.2 (MANE Select); coding-DNA position 5113, C replaced by T.
Protein change: p.Arg1705Cys; replaces arginine 1705 with cysteine.
Molecular consequence: missense variant.
Genome position (GRCh38, 1-based): chr7:132,145,231, G>A on the plus strand (C>T on the coding strand, the complement: PLXNA4 is on the minus strand). VCF-style: chr7-132145231-G-A. GRCh37 (hg19) VCF-style: chr7-131829990-G-A.
Other names: c.5113C>T, p.Arg1705Cys (NM_001393897.1); short protein forms R1705C.
Identifiers: ClinVar variation 5001188 (VCV005001188.1).

ClinVar aggregate classification (germline): Uncertain significance (1 of 4 stars; one submission).

Conditions:
PLXNA4-related disorder. Also called: PLXNA4-related condition.

gnomAD v4.1: 3 of 1,614,086 alleles (0.00019%); highest among the groups gnomAD compares: Admixed American, 0.0017%; no homozygotes.

Submission:

PreventionGenetics, part of Exact Sciences
Classification: Uncertain significance for PLXNA4-related condition. Last evaluated: 2025-04-24. Review status: criteria provided, single submitter. Criteria: ACMG Guidelines, 2015. Collection method: clinical testing. Allele origin: germline.
Comment: The PLXNA4 c.5113C>T variant is predicted to result in the amino acid substitution p.Arg1705Cys. To our knowledge, this variant has not been reported in the literature. This variant has been reported in one heterozygous individual within the ‘other’ subpopulation in gnomAD. At this time, the clinical significance of this variant is uncertain due to the absence of conclusive functional and genetic evidence.